The following is an entry in ClinVar:

ClinVar aggregate classification (germline): Likely pathogenic (1 of 4 stars; one submission).

Conditions:
CFTR-related disorder (CFTR-RD). Also called: CFTR-related disorders; CFTR-related condition. Identifiers: MedGen C5924204, MONDO:7770004.

Submission:

Natera, Inc.
Classification: Likely pathogenic for CFTR-related disorders. Last evaluated: 2025-07-25. Review status: criteria provided, single submitter. Criteria: Natera Variant Classification Schema (03/2026). Collection method: clinical testing. Allele origin: germline.
Comment: The c.300_305delinsAC variant in CFTR is a frameshift variant predicted to shift the reading frame beginning at codon 101 and leads to a stop codon 5 codons downstream. This variant is expected to result in nonsense mediated decay, truncation, or a dysfunctional protein product. This variant is rare in the general population with a frequency below the threshold expected for the associated phenotype(s). Given the available evidence, this variant is classified as Likely Pathogenic.

NM_000492.4(CFTR):c.300_305delinsAC (p.Leu101fs)

Gene: CFTR (CF transmembrane conductance regulator; plus strand). Cytogenetic location: 7q31.2.
Variant type: Indel.
Coding change: c.300_305delinsAC on transcript NM_000492.4 (MANE Select); coding-DNA positions 300 to 305, CTTACT replaced by AC.
Protein change: p.Leu101fs; shifts the reading frame from leucine 101.
Molecular consequence: frameshift variant.
Genome position (GRCh38, 1-based): chr7:117,530,925-117,530,930, CTTACT replaced by AC. VCF-style: chr7-117530925-CTTACT-AC. GRCh37 (hg19) VCF-style: chr7-117170979-CTTACT-AC.
Other names: c.300_305delCTTACTinsAC, p.Leu101Argfs (NM_000492.3); short protein forms L101fs.
Identifiers: ClinVar variation 4818523 (VCV004818523.1).